The following is an entry in ClinVar:

ClinVar aggregate classification (germline): Uncertain significance. Review status: criteria provided, multiple submitters, no conflicts (2 of 4 stars). 2 submissions from 2 submitters: Uncertain significance (2). Last evaluated 2023-02-01.

Conditions:
ATM-related disorder. Also called: ATM-related disorders; ATM-related condition.
Ataxia-telangiectasia syndrome (AT). Also called: Ataxia telangiectasia (A-T); ATAXIA-TELANGIECTASIA, COMPLEMENTATION GROUP A; ATAXIA-TELANGIECTASIA, FRESNO VARIANT; Ataxia-telangiectasia; Ataxia-telangiectasia, complementation group E; LOUIS-BAR SYNDROME. Identifiers: Orphanet 100, MedGen C0004135, MONDO:0008840, OMIM 208900.

Submissions (2):

PreventionGenetics, part of Exact Sciences
Classification: Uncertain significance for ATM-related condition. Last evaluated: 2023-02-01. Review status: criteria provided, single submitter. Criteria: ACMG Guidelines, 2015. Collection method: clinical testing. Allele origin: germline.
Comment: The ATM c.6956T>C variant is predicted to result in the amino acid substitution p.Leu2319Ser. To our knowledge, this variant has not been reported in the literature or in a large population database, indicating this variant is rare. It is interpreted as uncertain significance in ClinVar. At this time, the clinical significance of this variant is uncertain due to the absence of conclusive functional and genetic evidence.

Labcorp Genetics (formerly Invitae), Labcorp
Classification: Uncertain significance for Ataxia-telangiectasia syndrome. Last evaluated: 2020-03-25. Review status: criteria provided, single submitter. Criteria: Invitae Variant Classification Sherloc (09022015). Collection method: clinical testing. Allele origin: germline.
Comment: In summary, the available evidence is currently insufficient to determine the role of this variant in disease. Therefore, it has been classified as a Variant of Uncertain Significance. Algorithms developed to predict the effect of missense changes on protein structure and function (SIFT, PolyPhen-2, Align-GVGD) all suggest that this variant is likely to be disruptive, but these predictions have not been confirmed by published functional studies and their clinical significance is uncertain. This variant has not been reported in the literature in individuals with ATM-related conditions. This variant is not present in population databases (ExAC no frequency). This sequence change replaces leucine with serine at codon 2319 of the ATM protein (p.Leu2319Ser). The leucine residue is highly conserved and there is a large physicochemical difference between leucine and serine.

NM_000051.4(ATM):c.6956T>C (p.Leu2319Ser)

Genes: C11orf65 (chromosome 11 open reading frame 65; minus strand), ATM (ATM serine/threonine kinase; plus strand). Cytogenetic location: 11q22.3.
Variant type: single nucleotide variant.
Coding change: c.6956T>C on transcript NM_000051.4 (MANE Select); coding-DNA position 6956, T replaced by C.
Protein change: p.Leu2319Ser; replaces leucine 2319 with serine.
Molecular consequence: missense variant. On other transcripts: intron variant (2).
Genome position (GRCh38, 1-based): chr11:108,326,206, T>C. VCF-style: chr11-108326206-T-C. GRCh37 (hg19) VCF-style: chr11-108196933-T-C.
Other names: c.6956T>C, p.Leu2319Ser (NM_001351834.2); c.641-17135A>G (NM_001330368.2); c.*38+9014A>G (NM_001351110.2); short protein forms L2319S.
Identifiers: ClinVar variation 1023797 (VCV001023797.10), dbSNP rs1555120049, ClinGen allele CA382557357.